The following is an entry in ClinVar:

ClinVar aggregate classification (germline): Likely benign. Review status: criteria provided, multiple submitters, no conflicts (2 of 4 stars). 2 submissions from 2 submitters: Likely benign (2). Last evaluated 2025-01-01.

gnomAD v4.1: 16 of 1,209,274 alleles (0.0013%); highest among the groups gnomAD compares: East Asian, 0.0089%; no homozygotes.

Submissions (2):

CeGaT Center for Human Genetics Tuebingen
Classification: Likely benign. Last evaluated: 2025-01-01. Review status: criteria provided, single submitter. Criteria: CeGaT Center For Human Genetics Tuebingen Variant Classification Criteria Version 2. Collection method: clinical testing. Allele origin: germline. Affected: yes. Observed: 1 variant allele.
Comment: BCORL1: BP4, BP7, BS2

Blueprint Genetics
Classification: Likely benign. Last evaluated: 2021-12-13. Review status: criteria provided, single submitter. Criteria: ACMG Guidelines, 2015. Collection method: clinical testing. Allele origin: germline.

NM_001379451.1(BCORL1):c.624C>T (p.Pro208=)

Gene: BCORL1 (BCL6 corepressor like 1; plus strand). Cytogenetic location: Xq26.1.
Variant type: single nucleotide variant.
Coding change: c.624C>T on transcript NM_001379451.1 (MANE Select); coding-DNA position 624, C replaced by T.
Protein change: p.Pro208=; no amino-acid change (proline 208 retained).
Molecular consequence: synonymous variant.
Genome position (GRCh38, 1-based): chrX:130,013,396, C>T. VCF-style: chrX-130013396-C-T. GRCh37 (hg19) VCF-style: chrX-129147372-C-T.
Other names: c.624C>T, p.Pro208= (NM_001184772.3, NM_001379450.1, NM_021946.5).
Identifiers: ClinVar variation 3771444 (VCV003771444.14).